The following is an entry in ClinVar:

ClinVar aggregate classification (germline): Pathogenic (1 of 4 stars; one submission).

Conditions:
Gorlin syndrome. Also called: Nevoid Basal Cell Carcinoma Syndrome; Basal cell nevus syndrome. Identifiers: Orphanet 377, MedGen C0004779, MONDO:0007187.

gnomAD v4.1: 1 of 1,609,798 alleles (0.000062%); highest among the groups gnomAD compares: African/African-American, 0.0013%; no homozygotes.

Submission:

Labcorp Genetics (formerly Invitae), Labcorp
Classification: Pathogenic for Gorlin syndrome. Last evaluated: 2025-11-05. Review status: criteria provided, single submitter. Criteria: Invitae Variant Classification Sherloc (09022015). Collection method: clinical testing. Allele origin: germline.
Comment: This sequence change falls in intron 21 of the PTCH1 gene. It does not directly change the encoded amino acid sequence of the PTCH1 protein. RNA analysis indicates that this variant induces altered splicing and may result in an absent or altered protein product. This variant is not present in population databases (gnomAD no frequency). This variant has been observed in individual(s) with Gorlin syndrome (internal data). ClinVar contains an entry for this variant (Variation ID: 3632799). Variants that disrupt the consensus splice site are a relatively common cause of aberrant splicing (PMID: 17576681, 9536098). Studies have shown that this variant results in skipping of exon 21, and produces a non-functional protein and/or introduces a premature termination codon (internal data). For these reasons, this variant has been classified as Pathogenic.

Literature cited by the submitters: PubMed 17576681; PubMed 9536098.

NM_000264.5(PTCH1):c.3549+5G>A

Gene: PTCH1 (patched 1; minus strand). Cytogenetic location: 9q22.32.
Variant type: single nucleotide variant.
Coding change: c.3549+5G>A on transcript NM_000264.5 (MANE Select); 5 bases into the intron after coding-DNA position 3549, G replaced by A.
Molecular consequence: intron variant.
Genome position (GRCh38, 1-based): chr9:95,449,836, C>T on the plus strand (G>A on the coding strand, the complement: PTCH1 is on the minus strand). VCF-style: chr9-95449836-C-T. GRCh37 (hg19) VCF-style: chr9-98212118-C-T.
Other names: c.3546+5G>A (NM_001083603.3); c.3351+5G>A (NM_001083602.3); c.3393+5G>A (NM_001354918.2); c.3096+5G>A (NM_001083605.3, NM_001083604.3, NM_001083606.3 and 1 more transcripts).
Identifiers: ClinVar variation 3632799 (VCV003632799.2).
Genomic context (GRCh38, chr9:95,449,836, plus strand): 5'-GAGCGGCACAGGAAACACAGCATTCAGCCGGCCTACACGTGGGACATCCCCGTGTCACTA[C>T]TGACCTCAGGATATGGTCCAAAGAAAGACAAAAGCACGGGAAGCAAAACCAGCCCATTGA-3'